The following is an entry in ClinVar:

ClinVar aggregate classification (germline): Uncertain significance (1 of 4 stars; one submission).

Conditions:
Multiple endocrine neoplasia type 2B. Also called: Multiple endocrine neoplasia, type 3; MULTIPLE ENDOCRINE NEOPLASIA, TYPE IIB; Multiple Endocrine Neoplasia Type 2B (MEN2B); MEN IIB; NEUROMATA, MUCOSAL, WITH ENDOCRINE TUMORS; WAGENMANN-FROBOESE SYNDROME. Identifiers: Orphanet 247709, Orphanet 653, MedGen C0025269, MeSH D018814, MONDO:0008082, OMIM 162300.
Multiple endocrine neoplasia type 2A. Also called: Multiple Endocrine Neoplasia Type 2A (MEN2A); MULTIPLE ENDOCRINE NEOPLASIA, TYPE IIA; PTC SYNDROME; SIPPLE SYNDROME; MEN 2A; MEN-2A syndrome. Identifiers: Orphanet 247698, Orphanet 653, MedGen C0025268, MeSH D018813, MONDO:0008234, OMIM 171400.

Submission:

Clinical Genomics Laboratory, Washington University in St. Louis
Classification: Uncertain significance for Multiple endocrine neoplasia type 2A; Multiple endocrine neoplasia type 2B. Last evaluated: 2025-11-24. Review status: criteria provided, single submitter. Criteria: ACMG Guidelines, 2015. Collection method: clinical testing. Allele origin: germline.
Comment: The RET c.868-194G>A variant, to our knowledge, has not been reported in the medical literature and is absent from the general population (gnomAD v4.1.0), indicating it is not a common variant. Computational algorithms predict a weak strengthening of an upstream cryptic splice acceptor and strengthening of a downstream cryptic splice donor, resulting in an overall uncertain prediction as to the impact of this variant on splicing. Due to limited information, and based on ACMG/AMP guidelines for variant interpretation (Richards S et al., PMID: 25741868), the clinical significance of this variant is uncertain at this time.

NM_020975.6(RET):c.868-194G>A

Gene: RET (ret proto-oncogene; plus strand). Cytogenetic location: 10q11.21.
Variant type: single nucleotide variant.
Coding change: c.868-194G>A on transcript NM_020975.6 (MANE Select); 194 bases into the intron before coding-DNA position 868, G replaced by A.
Molecular consequence: intron variant.
Genome position (GRCh38, 1-based): chr10:43,106,182, G>A. VCF-style: chr10-43106182-G-A. GRCh37 (hg19) VCF-style: chr10-43601630-G-A.
Other names: c.868-194G>A (NM_020630.7, NM_001406743.1, NM_001406744.1 and 4 more transcripts); c.867+989G>A (NM_001406772.1, NM_001406769.1); c.626-2849G>A (NM_001406773.1, NM_001406771.1); c.625+3553G>A (NM_001406782.1, NM_001406780.1, NM_001406779.1 and 3 more transcripts); c.739-194G>A (NM_001406764.1, NM_001406762.1, NM_001406761.1 and 1 more transcripts); c.738+989G>A (NM_001406774.1); c.496+3553G>A (NM_001406786.1, NM_001406783.1); c.580-194G>A (NM_001406770.1, NM_001406766.1, NM_001406767.1); and 5 more.
Identifiers: ClinVar variation 4879538 (VCV004879538.1).
Genomic context (GRCh38, chr10:43,106,182, plus strand): 5'-TCCTTATAAGAGGTCTGCATTGTACCTGTTACACAGGCGAGGCTCAGTGGCTCAGGGAAG[G>A]TGACGGCCAGGCTGGCCAGTGACCCCGTGGGAACTTGAACCCAGGTCAGACTGTCCCCAG-3'